The following is an entry in ClinVar:

NM_001151.4(SLC25A4):c.598+23_598+25del

Gene: SLC25A4 (solute carrier family 25 member 4; plus strand). Cytogenetic location: 4q35.1.
Variant type: Deletion.
Coding change: c.598+23_598+25del on transcript NM_001151.4 (MANE Select); bases 23 to 25 of the intron after coding-DNA position 598, 3 bases deleted (AAG; older notation c.598+23_598+25delAAG).
Molecular consequence: intron variant.
Genome position (GRCh38, 1-based): chr4:185,145,273-185,145,275, AAG deleted; deleting any 3 consecutive bases within chr4:185,145,271-185,145,275 gives the same sequence; the c. name uses the placement nearest the transcript's 3' end. VCF-style (leftmost placement, unchanged base first): chr4-185145270-GAGA-G. GRCh37 (hg19) VCF-style: chr4-186066424-GAGA-G.
Other names: c.598+23_598+25delAAG (NM_001151.4).
Identifiers: ClinVar variation 4536726 (VCV004536726.1).

ClinVar aggregate classification (germline): Likely benign (1 of 4 stars; one submission).

Submission:

Women's Health and Genetics/Laboratory Corporation of America, LabCorp
Classification: Likely benign. Last evaluated: 2025-11-13. Review status: criteria provided, single submitter. Criteria: LabCorp Variant Classification Summary - May 2015. Collection method: clinical testing. Allele origin: germline.
Comment: Variant summary: SLC25A4 c.598+23_598+25delAAG is located at a position not widely known to affect splicing. Consensus agreement among computation tools predict no significant impact on normal splicing. However, these predictions have yet to be confirmed by functional studies. The variant allele was found at a frequency of 4e-06 in 248538 control chromosomes. The available data on variant occurrences in the general population are insufficient to allow any conclusion about variant significance. To our knowledge, no occurrence of c.598+23_598+25delAAG in individuals affected with SLC25A4-related conditions and no experimental evidence demonstrating its impact on protein function have been reported. No submitters have cited clinical-significance assessments for this variant to ClinVar. Based on the evidence outlined above, the variant was classified as likely benign.